The following is an entry in ClinVar:

NM_003482.4(KMT2D):c.4412G>T (p.Cys1471Phe)

Gene: KMT2D (lysine methyltransferase 2D; minus strand). Cytogenetic location: 12q13.12.
Variant type: single nucleotide variant.
Coding change: c.4412G>T on transcript NM_003482.4 (MANE Select); coding-DNA position 4412, G replaced by T.
Protein change: p.Cys1471Phe; replaces cysteine 1471 with phenylalanine.
Molecular consequence: missense variant.
Genome position (GRCh38, 1-based): chr12:49,046,615, C>A on the plus strand (G>T on the coding strand, the complement: KMT2D is on the minus strand). VCF-style: chr12-49046615-C-A. GRCh37 (hg19) VCF-style: chr12-49440398-C-A.
Other names: short protein forms C1471F.
Identifiers: ClinVar variation 4859001 (VCV004859001.1).
Genomic context (GRCh38, chr12:49,046,615, plus strand): 5'-CCACTTTAACATCTCAAGGCCCCAGGGCTCCACTGAAGATCCCAGTCTCCTTACCACTTG[C>A]ACTTCCAGCCGCCCTTGGGGACGGTGAGCAGTGGGGGGTCCAGGCAGTATGTGTGGTAGC-3'
Protein context (NP_003473.3, residues 1461-1481): LLTVPKGGWK[Cys1471Phe]KWCVSCMQCG

ClinVar aggregate classification (germline): Likely pathogenic (1 of 4 stars; one submission).

Conditions:
Inborn genetic diseases. Identifiers: MedGen C0950123, MeSH D030342.

Submission:

Ambry Genetics
Classification: Likely pathogenic for Inborn genetic diseases. Last evaluated: 2026-05-26. Review status: criteria provided, single submitter. Criteria: Ambry Variant Classification Scheme 2023. Collection method: clinical testing. Allele origin: germline.
Comment: The c.4412G>T (p.C1471F) alteration is located in exon 15 (coding exon 15) of the KMT2D gene. This alteration results from a G to T substitution at nucleotide position 4412, causing the cysteine (C) at amino acid position 1471 to be replaced by a phenylalanine (F). This variant was not reported in population-based cohorts in the Genome Aggregation Database (gnomAD). Other variants at the same codon, c.4411T>C (p.C1471R), c.4412G>A (p.C1471Y), and c.4413C>G (p.C1471W), have been identified in individuals with features consistent with KMT2D-related Kabuki syndrome (Hannibal, 2011; Makrythanasis, 2013; B&ouml;gershausen, 2016). This amino acid position is highly conserved in available vertebrate species. This missense variant is located in a region that has a low rate of benign missense variation (Lek, 2016; Firth, 2009). This alteration is predicted to be deleterious by in silico analysis. Based on the available evidence, this alteration is classified as likely pathogenic.

Literature cited by the submitters: PubMed 21671394; PubMed 23320472; PubMed 27302555.